The following is an entry in ClinVar:

NM_001376571.1(MADD):c.3084C>T (p.His1028=)

Gene: MADD (MAP kinase activating death domain; plus strand). Cytogenetic location: 11p11.2.
Variant type: single nucleotide variant.
Coding change: c.3084C>T on transcript NM_001376571.1 (MANE Select); coding-DNA position 3084, C replaced by T.
Protein change: p.His1028=; no amino-acid change (histidine 1028 retained).
Molecular consequence: synonymous variant. On other transcripts: non-coding transcript variant (7), intron variant (1).
Genome position (GRCh38, 1-based): chr11:47,290,229, C>T. VCF-style: chr11-47290229-C-T. GRCh37 (hg19) VCF-style: chr11-47311780-C-T.
Other names: c.2955C>T, p.His985= (NM_001376581.1, NM_001376582.1, NM_001376586.1 and 15 more transcripts); c.2922C>T, p.His974= (NM_001376583.1, NM_001376611.1, NM_001376613.1 and 1 more transcripts); c.3024C>T, p.His1008= (NM_001376584.1, NM_001376593.1, NM_001376594.1 and 12 more transcripts); c.2895C>T, p.His965= (NM_001376585.1, NM_001376595.1, NM_001376597.1 and 20 more transcripts); c.3102C>T, p.His1034= (NM_001376596.1); c.3084C>T, p.His1028= (NM_001376599.1, NM_001376600.1, NM_001376601.1 and 11 more transcripts); c.2931C>T, p.His977= (NM_001376602.1); c.2997C>T, p.His999= (NM_001376578.1, NM_001376631.1); and 10 more.
Identifiers: ClinVar variation 2641763 (VCV002641763.26), dbSNP rs141671072, ClinGen allele CA5974666.

ClinVar aggregate classification (germline): Likely benign. Review status: criteria provided, multiple submitters, no conflicts (2 of 4 stars). 3 submissions from 3 submitters: Likely benign (2). 1 of the submissions does not count toward it. Last evaluated 2026-09-01.

Conditions:
MADD-related disorder. Also called: MADD-related condition; MADD-Related Disorders.

Allele frequency attached by ClinVar (database versions not stated): 1000 Genomes Project 30x 0.00016; TOPMed 0.00016; 1000 Genomes Project 0.00020; gnomAD 0.00023; gnomAD exomes 0.00030; ExAC 0.00031; ESP Exome Variant Server 0.00038.
gnomAD v4.1: 481 of 1,614,110 alleles (0.03%); highest among the groups gnomAD compares: Middle Eastern, 0.38%; no homozygotes.

Submissions (3):

CeGaT Center for Human Genetics Tuebingen
Classification: Likely benign. Last evaluated: 2026-09-01. Review status: criteria provided, single submitter. Criteria: CeGaT Center For Human Genetics Tuebingen Variant Classification Criteria Version 2. Collection method: clinical testing. Allele origin: germline. Affected: yes. Observed: 3 variant alleles.
Comment: MADD: BP4, BP7

Blueprint Genetics
Classification: Likely benign. Last evaluated: 2024-08-09. Review status: criteria provided, single submitter. Criteria: ACMG Guidelines, 2015. Collection method: clinical testing. Allele origin: germline.

PreventionGenetics, part of Exact Sciences
Classification: Likely benign for MADD-related condition. Last evaluated: 2019-03-20. Review status: no assertion criteria provided. Collection method: clinical testing. Allele origin: germline. Not counted in ClinVar's aggregate classification.
Comment: This variant is classified as likely benign based on ACMG/AMP sequence variant interpretation guidelines (Richards et al. 2015 PMID: 25741868, with internal and published modifications).